The following is an entry in ClinVar:

NM_032409.3(PINK1):c.454C>T (p.Arg152Trp)

Gene: PINK1 (PTEN induced kinase 1; plus strand). Cytogenetic location: 1p36.12.
Variant type: single nucleotide variant.
Coding change: c.454C>T on transcript NM_032409.3 (MANE Select); coding-DNA position 454, C replaced by T.
Protein change: p.Arg152Trp; replaces arginine 152 with tryptophan.
Molecular consequence: missense variant.
Genome position (GRCh38, 1-based): chr1:20,637,908, C>T. VCF-style: chr1-20637908-C-T. GRCh37 (hg19) VCF-style: chr1-20964401-C-T.
Other names: short protein forms R152W.
Identifiers: ClinVar variation 931833 (VCV000931833.28), dbSNP rs45608139, ClinGen allele CA660432.
Genomic context (GRCh38, chr1:20,637,908, plus strand): 5'-TTTACCCAGAAAAGCAAGCCGGGGCCTGACCCGTTGGACACGAGACGCTTGCAGGGCTTT[C>T]GGCTGGAGGAGTATCTGATAGGGCAGTCCATTGGTAAGGGCTGCAGTGCTGCTGTGTATG-3'
Protein context (NP_115785.1, residues 142-162): PLDTRRLQGF[Arg152Trp]LEEYLIGQSI

ClinVar aggregate classification (germline): Uncertain significance. Review status: criteria provided, multiple submitters, no conflicts (2 of 4 stars). 3 submissions from 3 submitters: Uncertain significance (3). Last evaluated 2024-05-01.

Conditions:
Autosomal recessive early-onset Parkinson disease 6 (PARK6). Also called: PARKINSON DISEASE 6, MODIFIER OF; PINK1 Type of Young-Onset Parkinson Disease; PINK1-Related Parkinson Disease; PARKINSON DISEASE 6, EARLY-ONSET. Identifiers: Orphanet 2828, MedGen C1853833, MONDO:0011613, OMIM 605909.

Allele frequency attached by ClinVar (database versions not stated): gnomAD 0.00001 and 0.00003; ExAC 0.00002; gnomAD exomes 0.00002 and 0.00003; TOPMed 0.00004; 1000 Genomes Project 0.00020; 1000 Genomes Project 30x 0.00031.
gnomAD v4.1: 30 of 1,614,180 alleles (0.0019%); highest among the groups gnomAD compares: Middle Eastern, 0.016%; no homozygotes.

Submissions (3):

CeGaT Center for Human Genetics Tuebingen
Classification: Uncertain significance. Last evaluated: 2024-05-01. Review status: criteria provided, single submitter. Criteria: CeGaT Center For Human Genetics Tuebingen Variant Classification Criteria Version 2. Collection method: clinical testing. Allele origin: germline. Affected: yes. Observed: 1 variant allele.
Comment: PINK1: PM2, BP4

Labcorp Genetics (formerly Invitae), Labcorp
Classification: Uncertain significance for Autosomal recessive early-onset Parkinson disease 6. Last evaluated: 2022-09-23. Review status: criteria provided, single submitter. Criteria: Invitae Variant Classification Sherloc (09022015). Collection method: clinical testing. Allele origin: germline.
Comment: This missense change has been observed in individual(s) with clinical features of Parkinson disease (PMID: 18685134; Invitae). This variant is present in population databases (rs45608139, gnomAD 0.009%). This sequence change replaces arginine, which is basic and polar, with tryptophan, which is neutral and slightly polar, at codon 152 of the PINK1 protein (p.Arg152Trp). ClinVar contains an entry for this variant (Variation ID: 931833). In summary, the available evidence is currently insufficient to determine the role of this variant in disease. Therefore, it has been classified as a Variant of Uncertain Significance. Advanced modeling of protein sequence and biophysical properties (such as structural, functional, and spatial information, amino acid conservation, physicochemical variation, residue mobility, and thermodynamic stability) performed at Invitae indicates that this missense variant is not expected to disrupt PINK1 protein function.

Centre for Mendelian Genomics, University Medical Centre Ljubljana
Classification: Uncertain significance for Autosomal recessive early-onset Parkinson disease 6. Last evaluated: 2018-09-26. Review status: criteria provided, single submitter. Criteria: ACMG Guidelines, 2015. Collection method: clinical testing. Allele origin: unknown. Affected: yes.
Comment: This variant was classified as: Uncertain significance. The following ACMG criteria were applied in classifying this variant: PM2,PP5,PP3.

Literature cited by the submitters: PubMed 18685134 (cited by Labcorp Genetics (formerly Invitae), Labcorp).